The following is an entry in ClinVar:

ClinVar aggregate classification (germline): Pathogenic (1 of 4 stars; one submission).

Submission:

Labcorp Genetics (formerly Invitae), Labcorp
Classification: Pathogenic. Last evaluated: 2023-09-21. Review status: criteria provided, single submitter. Criteria: Invitae Variant Classification Sherloc (09022015). Collection method: clinical testing. Allele origin: germline.
Comment: This sequence change creates a premature translational stop signal (p.Lys1912Argfs*24) in the USH2A gene. It is expected to result in an absent or disrupted protein product. Loss-of-function variants in USH2A are known to be pathogenic (PMID: 10729113, 10909849, 20507924, 25649381). This variant is not present in population databases (gnomAD no frequency). This premature translational stop signal has been observed in individual(s) with Usher syndrome (PMID: 26338283). This variant is also known as p.1912_1912del. ClinVar contains an entry for this variant (Variation ID: 2202958). For these reasons, this variant has been classified as Pathogenic.

Literature cited by the submitters: PubMed 10729113; PubMed 10909849; PubMed 20507924; PubMed 25649381; PubMed 26338283.

NM_206933.4(USH2A):c.5735_5736del (p.Lys1912fs)

Genes: USH2A (usherin; minus strand), USH2A-AS2 (USH2A antisense RNA 2; plus strand). Cytogenetic location: 1q41.
Variant type: Deletion.
Coding change: c.5735_5736del on transcript NM_206933.4 (MANE Select); coding-DNA positions 5735 to 5736, 2 bases deleted (AA; older notation c.5735_5736delAA).
Protein change: p.Lys1912fs; shifts the reading frame from lysine 1912.
Molecular consequence: frameshift variant.
Genome position (GRCh38, 1-based): chr1:216,073,137-216,073,138, TT deleted on the plus strand (AA on the coding strand, the reverse complement: USH2A is on the minus strand); deleting any 2 consecutive bases within chr1:216,073,137-216,073,140 gives the same sequence; the c. name uses the placement nearest the transcript's 3' end. VCF-style (leftmost placement, unchanged base first): chr1-216073136-CTT-C. GRCh37 (hg19) VCF-style: chr1-216246478-CTT-C.
Other names: short protein forms K1912fs.
Identifiers: ClinVar variation 2202958 (VCV002202958.4), dbSNP rs2527777931, ClinGen allele CA2580062104.